The following is an entry in ClinVar:

NM_001376.5(DYNC1H1):c.1900A>G (p.Lys634Glu)

Gene: DYNC1H1 (dynein cytoplasmic 1 heavy chain 1; plus strand). Cytogenetic location: 14q32.31.
Variant type: single nucleotide variant.
Coding change: c.1900A>G on transcript NM_001376.5 (MANE Select); coding-DNA position 1900, A replaced by G.
Protein change: p.Lys634Glu; replaces lysine 634 with glutamic acid.
Molecular consequence: missense variant.
Genome position (GRCh38, 1-based): chr14:101,986,125, A>G. VCF-style: chr14-101986125-A-G. GRCh37 (hg19) VCF-style: chr14-102452462-A-G.
Other names: short protein forms K634E.
Identifiers: ClinVar variation 3636119 (VCV003636119.2).

ClinVar aggregate classification (germline): Uncertain significance (1 of 4 stars; one submission).

Conditions:
Charcot-Marie-Tooth disease axonal type 2O. Also called: Charcot-Marie-Tooth disease, axonal, type 20; CHARCOT-MARIE-TOOTH NEUROPATHY, AXONAL, TYPE 2O; CHARCOT-MARIE-TOOTH DISEASE, AXONAL, AUTOSOMAL DOMINANT, TYPE 2O; Charcot-Marie-Tooth Neuropathy Type 2O. Identifiers: Orphanet 284232, MedGen C3280220, MONDO:0013644, OMIM 614228.

Submission:

Labcorp Genetics (formerly Invitae), Labcorp
Classification: Uncertain significance for Charcot-Marie-Tooth disease axonal type 2O. Last evaluated: 2024-10-10. Review status: criteria provided, single submitter. Criteria: Invitae Variant Classification Sherloc (09022015). Collection method: clinical testing. Allele origin: germline.
Comment: This sequence change replaces lysine, which is basic and polar, with glutamic acid, which is acidic and polar, at codon 634 of the DYNC1H1 protein (p.Lys634Glu). This variant is not present in population databases (gnomAD no frequency). This variant has not been reported in the literature in individuals affected with DYNC1H1-related conditions. Invitae Evidence Modeling of protein sequence and biophysical properties (such as structural, functional, and spatial information, amino acid conservation, physicochemical variation, residue mobility, and thermodynamic stability) indicates that this missense variant is not expected to disrupt DYNC1H1 protein function with a negative predictive value of 95%. In summary, the available evidence is currently insufficient to determine the role of this variant in disease. Therefore, it has been classified as a Variant of Uncertain Significance.